The following is an entry in ClinVar:

ClinVar aggregate classification (germline): Uncertain significance (1 of 4 stars; one submission).

Submission:

GeneDx
Classification: Uncertain significance. Last evaluated: 2022-12-20. Review status: criteria provided, single submitter. Criteria: GeneDx Variant Classification Process June 2021. Collection method: clinical testing. Allele origin: germline. Affected: yes.
Comment: Not observed at significant frequency in large population cohorts (gnomAD); Missense variants in this gene are often considered pathogenic (HGMD); In silico analysis supports that this missense variant has a deleterious effect on protein structure/function; This substitution is predicted to be within the transmembrane segment S1 of the second homologous domain; Has not been previously published as pathogenic or benign to our knowledge; This variant is associated with the following publications: (PMID: 24077912)

NM_001330260.2(SCN8A):c.2314A>G (p.Met772Val)

Gene: SCN8A (sodium voltage-gated channel alpha subunit 8; plus strand). Cytogenetic location: 12q13.13.
Variant type: single nucleotide variant.
Coding change: c.2314A>G on transcript NM_001330260.2 (MANE Select); coding-DNA position 2314, A replaced by G.
Protein change: p.Met772Val; replaces methionine 772 with valine.
Molecular consequence: missense variant.
Genome position (GRCh38, 1-based): chr12:51,751,537, A>G. VCF-style: chr12-51751537-A-G. GRCh37 (hg19) VCF-style: chr12-52145321-A-G.
Other names: c.2314A>G, p.Met772Val (NM_001177984.3, NM_001369788.1, NM_014191.4); short protein forms M772V.
Identifiers: ClinVar variation 2506817 (VCV002506817.1), dbSNP rs2540239407, ClinGen allele CA384880104.